The following is an entry in ClinVar:

ClinVar aggregate classification (germline): Uncertain significance (1 of 4 stars; one submission).

Conditions:
Hypermethioninemia with deficiency of S-adenosylhomocysteine hydrolase. Identifiers: Orphanet 88618, MedGen C3151058, MONDO:0013404, OMIM 613752.

Allele frequency attached by ClinVar (database versions not stated): ExAC 0.00001; gnomAD 0.00001; gnomAD exomes 0.00001; TOPMed 0.00002.
gnomAD v4.1: 12 of 1,614,004 alleles (0.00074%); highest among the groups gnomAD compares: Non-Finnish European, 0.00093%; no homozygotes.

Submission:

Labcorp Genetics (formerly Invitae), Labcorp
Classification: Uncertain significance for Hypermethioninemia with deficiency of S-adenosylhomocysteine hydrolase. Last evaluated: 2024-10-06. Review status: criteria provided, single submitter. Criteria: Invitae Variant Classification Sherloc (09022015). Collection method: clinical testing. Allele origin: germline.
Comment: This sequence change replaces alanine, which is neutral and non-polar, with valine, which is neutral and non-polar, at codon 368 of the AHCY protein (p.Ala368Val). This variant is present in population databases (rs746842495, gnomAD 0.002%). This variant has not been reported in the literature in individuals affected with AHCY-related conditions. ClinVar contains an entry for this variant (Variation ID: 1975135). Invitae Evidence Modeling of protein sequence and biophysical properties (such as structural, functional, and spatial information, amino acid conservation, physicochemical variation, residue mobility, and thermodynamic stability) indicates that this missense variant is expected to disrupt AHCY protein function with a positive predictive value of 95%. In summary, the available evidence is currently insufficient to determine the role of this variant in disease. Therefore, it has been classified as a Variant of Uncertain Significance.

NM_000687.4(AHCY):c.1103C>T (p.Ala368Val)

Gene: AHCY (adenosylhomocysteinase; minus strand). Cytogenetic location: 20q11.22.
Variant type: single nucleotide variant.
Coding change: c.1103C>T on transcript NM_000687.4 (MANE Select); coding-DNA position 1103, C replaced by T.
Protein change: p.Ala368Val; replaces alanine 368 with valine.
Molecular consequence: missense variant.
Genome position (GRCh38, 1-based): chr20:34,285,504, G>A on the plus strand (C>T on the coding strand, the complement: AHCY is on the minus strand). VCF-style: chr20-34285504-G-A. GRCh37 (hg19) VCF-style: chr20-32873310-G-A.
Other names: c.1019C>T, p.Ala340Val (NM_001161766.2, NM_001322084.2, NM_001322085.2); c.1109C>T, p.Ala370Val (NM_001322086.2); c.1103C>T, p.Ala368Val (NM_001362750.2); short protein forms A340V, A368V, A370V.
Identifiers: ClinVar variation 1975135 (VCV001975135.4), dbSNP rs746842495, ClinGen allele CA9820783.